The following is an entry in ClinVar:

NM_001458.5(FLNC):c.1625C>T (p.Pro542Leu)

Gene: FLNC (filamin C; plus strand). Cytogenetic location: 7q32.1.
Variant type: single nucleotide variant.
Coding change: c.1625C>T on transcript NM_001458.5 (MANE Select); coding-DNA position 1625, C replaced by T.
Protein change: p.Pro542Leu; replaces proline 542 with leucine.
Molecular consequence: missense variant.
Genome position (GRCh38, 1-based): chr7:128,840,623, C>T. VCF-style: chr7-128840623-C-T. GRCh37 (hg19) VCF-style: chr7-128480677-C-T.
Other names: c.1625C>T, p.Pro542Leu (NM_001127487.2); short protein forms P542L.
Identifiers: ClinVar variation 4258302 (VCV004258302.2).

ClinVar aggregate classification (germline): Uncertain significance. Review status: criteria provided, multiple submitters, no conflicts (2 of 4 stars). 2 submissions from 2 submitters: Uncertain significance (2). Last evaluated 2025-06-18.

Conditions:
Distal myopathy with posterior leg and anterior hand involvement. Also called: WILLIAMS DISTAL MYOPATHY. Identifiers: Orphanet 63273, MedGen C3279722, MONDO:0013550, OMIM 614065.
Myofibrillar myopathy 5. Also called: Filaminopathy (type); FILAMINOPATHY, AUTOSOMAL DOMINANT. Identifiers: Orphanet 171445, MedGen C1836050, MONDO:0012289, OMIM 609524.
Hypertrophic cardiomyopathy 26. Also called: Cardiomyopathy, familial hypertrophic, 26. Identifiers: Orphanet 75249, MedGen C4310749, MONDO:0014883, OMIM 617047.
Cardiovascular phenotype. Identifiers: MedGen CN230736.

Submissions (2):

Ambry Genetics
Classification: Uncertain significance for Cardiovascular phenotype. Last evaluated: 2025-06-18. Review status: criteria provided, single submitter. Criteria: Ambry Variant Classification Scheme 2023. Collection method: clinical testing. Allele origin: germline.

Labcorp Genetics (formerly Invitae), Labcorp
Classification: Uncertain significance for Distal myopathy with posterior leg and anterior hand involvement; Myofibrillar myopathy 5; Hypertrophic cardiomyopathy 26. Last evaluated: 2025-06-18. Review status: criteria provided, single submitter. Criteria: Invitae Variant Classification Sherloc (09022015). Collection method: clinical testing. Allele origin: germline.
Comment: This sequence change replaces proline, which is neutral and non-polar, with leucine, which is neutral and non-polar, at codon 542 of the FLNC protein (p.Pro542Leu). This variant is not present in population databases (gnomAD no frequency). This variant has not been reported in the literature in individuals affected with FLNC-related conditions. Invitae Evidence Modeling of protein sequence and biophysical properties (such as structural, functional, and spatial information, amino acid conservation, physicochemical variation, residue mobility, and thermodynamic stability) has been performed for this missense variant. However, the output from this modeling did not meet the statistical confidence thresholds required to predict the impact of this variant on FLNC protein function. In summary, the available evidence is currently insufficient to determine the role of this variant in disease. Therefore, it has been classified as a Variant of Uncertain Significance.